The following is an entry in ClinVar:

ClinVar aggregate classification (germline): Likely benign (1 of 4 stars; one submission).

Allele frequency attached by ClinVar (database versions not stated): gnomAD 0.00001; TOPMed 0.00001; ESP Exome Variant Server 0.00008; gnomAD exomes below 0.00001.
gnomAD v4.1: 5 of 1,613,364 alleles (0.00031%); highest among the groups gnomAD compares: Middle Eastern, 0.016%; no homozygotes.

Submission:

Laboratory for Molecular Medicine, Mass General Brigham Personalized Medicine
Classification: Likely benign. Last evaluated: 2015-07-09. Review status: criteria provided, single submitter. Criteria: LMM Criteria. Collection method: clinical testing. Allele origin: germline. Observed: 1 variant allele.
Comment: p.Thr99Thr in exon 3 of MYOM1: This variant is not expected to have clinical sig nificance because it does not alter an amino acid residue and is not located wit hin the splice consensus sequence. It has been identified in 1/8220 European Ame rican chromosomes by the NHLBI Exome Sequencing Project (n.edu/EVS; dbSNP rs369402806).

NM_003803.4(MYOM1):c.297A>G (p.Thr99=)

Gene: MYOM1 (myomesin 1; minus strand). Cytogenetic location: 18p11.31.
Variant type: single nucleotide variant.
Coding change: c.297A>G on transcript NM_003803.4 (MANE Select); coding-DNA position 297, A replaced by G.
Protein change: p.Thr99=; no amino-acid change (threonine 99 retained).
Molecular consequence: synonymous variant.
Genome position (GRCh38, 1-based): chr18:3,193,952, T>C on the plus strand (A>G on the coding strand, the complement: MYOM1 is on the minus strand). VCF-style: chr18-3193952-T-C. GRCh37 (hg19) VCF-style: chr18-3193950-T-C.
Other names: c.297A>G, p.Thr99= (NM_019856.2).
Identifiers: ClinVar variation 227699 (VCV000227699.5), dbSNP rs369402806, ClinGen allele CA10577058.